The following is an entry in ClinVar:

NM_001365999.1(SZT2):c.9881G>A (p.Arg3294Gln)

Genes: SZT2 (SZT2 subunit of KICSTOR complex; plus strand), SZT2-AS1 (SZT2 antisense RNA 1; minus strand). Cytogenetic location: 1p34.2.
Variant type: single nucleotide variant.
Coding change: c.9881G>A on transcript NM_001365999.1 (MANE Select); coding-DNA position 9881, G replaced by A.
Protein change: p.Arg3294Gln; replaces arginine 3294 with glutamine.
Molecular consequence: missense variant. On other transcripts: non-coding transcript variant (1).
Genome position (GRCh38, 1-based): chr1:43,448,396, G>A. VCF-style: chr1-43448396-G-A. GRCh37 (hg19) VCF-style: chr1-43914067-G-A.
Other names: c.9710G>A, p.Arg3237Gln (NM_015284.4); c.1322G>A, p.Arg441Gln (NM_024547.1); short protein forms R3237Q, R3294Q, R441Q.
Identifiers: ClinVar variation 1767956 (VCV001767956.5), dbSNP rs901195092, ClinGen allele CA21653413.

ClinVar aggregate classification (germline): Uncertain significance. Review status: criteria provided, multiple submitters, no conflicts (2 of 4 stars). 3 submissions from 3 submitters: Uncertain significance (3). Last evaluated 2023-04-11.

Conditions:
Developmental and epileptic encephalopathy, 18 (DEE18). Also called: Early infantile epileptic encephalopathy 18. Identifiers: Orphanet 369894, MedGen C3809624, MONDO:0014201, OMIM 615476.
Inborn genetic diseases. Identifiers: MedGen C0950123, MeSH D030342.

Allele frequency attached by ClinVar (database versions not stated): gnomAD exomes below 0.00001.
gnomAD v4.1: 5 of 1,574,436 alleles (0.00032%); highest among the groups gnomAD compares: Non-Finnish European, 0.00043%; no homozygotes.

Submissions (3):

Genome-Nilou Lab
Classification: Uncertain significance for Developmental and epileptic encephalopathy, 18. Last evaluated: 2023-04-11. Review status: criteria provided, single submitter. Criteria: ACMG Guidelines, 2015. Collection method: clinical testing. Allele origin: germline. Affected: no.

Labcorp Genetics (formerly Invitae), Labcorp
Classification: Uncertain significance. Last evaluated: 2022-04-07. Review status: criteria provided, single submitter. Criteria: Invitae Variant Classification Sherloc (09022015). Collection method: clinical testing. Allele origin: germline.
Comment: This sequence change replaces arginine, which is basic and polar, with glutamine, which is neutral and polar, at codon 3237 of the SZT2 protein (p.Arg3237Gln). This variant is not present in population databases (gnomAD no frequency). This variant has not been reported in the literature in individuals affected with SZT2-related conditions. Algorithms developed to predict the effect of missense changes on protein structure and function are either unavailable or do not agree on the potential impact of this missense change (SIFT: "Tolerated"; PolyPhen-2: "Possibly Damaging"; Align-GVGD: "Class C0"). In summary, the available evidence is currently insufficient to determine the role of this variant in disease. Therefore, it has been classified as a Variant of Uncertain Significance.

Ambry Genetics
Classification: Uncertain significance for Inborn genetic diseases. Last evaluated: 2018-11-23. Review status: criteria provided, single submitter. Criteria: Ambry Variant Classification Scheme 2023. Collection method: clinical testing. Allele origin: germline.
Comment: The p.R3237Q variant (also known as c.9710G>A), located in coding exon 68 of the SZT2 gene, results from a G to A substitution at nucleotide position 9710. The arginine at codon 3237 is replaced by glutamine, an amino acid with highly similar properties. This amino acid position is well conserved in available vertebrate species. In addition, this alteration is predicted to be tolerated by in silico analysis. Since supporting evidence is limited at this time, the clinical significance of this alteration remains unclear.